The following is an entry in ClinVar:

NM_000492.4:c.(3468+1_3469-1)_(3963+1_3964-1)del

Gene: CFTR (CF transmembrane conductance regulator; plus strand).
Variant type: Deletion.
Other names: CFTRdele19-21; c.(3468+1_3469-1)_(3963+1_3964-1)del (NM_000492.4).
Identifiers: ClinVar variation 1706032 (VCV001706032.1).

ClinVar aggregate classification (germline): Pathogenic (1 of 4 stars; one submission).

Conditions:
Cystic fibrosis (CF). Also called: MUCOVISCIDOSIS. Identifiers: Orphanet 586, MedGen C0010674, MONDO:0009061, OMIM 219700. Disease mechanism: loss of function.

Submission:

Institute of Human Genetics, University of Leipzig Medical Center
Classification: Pathogenic for Cystic fibrosis. Last evaluated: 2022-09-05. Review status: criteria provided, single submitter. Criteria: ACMG Guidelines, 2015. Collection method: curation. Allele origin: unknown. Affected: yes. Observed: 1 variant allele.
Comment: The variant was classified in the context of a project re-classifying variants in the German Cystic Fibrosis Registry (Muko.e.V.). Criteria applied: PVS1_STR, PM2_SUP, PM3_STR, PP4